The following is an entry in ClinVar:

NM_019594.4(LRRC8A):c.1312A>G (p.Ile438Val)

Gene: LRRC8A (leucine rich repeat containing 8 VRAC subunit A; plus strand). Cytogenetic location: 9q34.11.
Variant type: single nucleotide variant.
Coding change: c.1312A>G on transcript NM_019594.4 (MANE Select); coding-DNA position 1312, A replaced by G.
Protein change: p.Ile438Val; replaces isoleucine 438 with valine.
Molecular consequence: missense variant.
Genome position (GRCh38, 1-based): chr9:128,908,476, A>G. VCF-style: chr9-128908476-A-G. GRCh37 (hg19) VCF-style: chr9-131670755-A-G.
Other names: c.1312A>G, p.Ile438Val (NM_001127244.2, NM_001127245.2); short protein forms I438V.
Identifiers: ClinVar variation 2851756 (VCV002851756.3), dbSNP rs1588221221, ClinGen allele CA375080503.

ClinVar aggregate classification (germline): Uncertain significance (1 of 4 stars; one submission).

Submission:

Labcorp Genetics (formerly Invitae), Labcorp
Classification: Uncertain significance. Last evaluated: 2023-04-03. Review status: criteria provided, single submitter. Criteria: Invitae Variant Classification Sherloc (09022015). Collection method: clinical testing. Allele origin: germline.
Comment: This variant is not present in population databases (gnomAD no frequency). This sequence change replaces isoleucine, which is neutral and non-polar, with valine, which is neutral and non-polar, at codon 438 of the LRRC8A protein (p.Ile438Val). This variant has not been reported in the literature in individuals affected with LRRC8A-related conditions. An algorithm developed to predict the effect of missense changes on protein structure and function (PolyPhen-2) suggests that this variant is likely to be tolerated. In summary, the available evidence is currently insufficient to determine the role of this variant in disease. Therefore, it has been classified as a Variant of Uncertain Significance.